The following is an entry in ClinVar:

NM_003676.4(DEGS1):c.518G>C (p.Arg173Pro)

Gene: DEGS1 (delta 4-desaturase, sphingolipid 1; plus strand). Cytogenetic location: 1q42.11.
Variant type: single nucleotide variant.
Coding change: c.518G>C on transcript NM_003676.4 (MANE Select); coding-DNA position 518, G replaced by C.
Protein change: p.Arg173Pro; replaces arginine 173 with proline.
Molecular consequence: missense variant.
Genome position (GRCh38, 1-based): chr1:224,190,012, G>C. VCF-style: chr1-224190012-G-C. GRCh37 (hg19) VCF-style: chr1-224377714-G-C.
Other names: c.518G>C, p.Arg173Pro (NM_001321541.2); c.410G>C, p.Arg137Pro (NM_001321542.2); short protein forms R137P, R173P.
Identifiers: ClinVar variation 2429400 (VCV002429400.3), dbSNP rs2527280028, ClinGen allele CA344709593.

ClinVar aggregate classification (germline): Uncertain significance (1 of 4 stars; one submission).

Submission:

Illumina Laboratory Services, Illumina
Classification: Uncertain significance. Last evaluated: 2022-10-03. Review status: criteria provided, single submitter. Criteria: ICSL CNVClassificationCriteria Aug2020. Collection method: clinical testing. Allele origin: unknown. Affected: yes.
Comment: The DEGS1 c.518G>C (p.Arg173Pro) missense variant results in the substitution of arginine at amino acid position 173 with proline. The c.518G>C variant has been reported in a compound heterozygous state with a pathogenic loss of function variant in at least one individual with with hypomyelinating leukodystrophy (PMID: 35569879; PMID: 35012964). Functional studies based on targeted lipidomics analysis towards sphingolipids detecting dihydroceramide and ceramide, demonstrated increased reaction substrate and decreased product indicating that the c.518G>C variant results in reduced enzyme activity (PMID: 30620337; PMID: 35012964). This variant is not found in version 2.1.1 or 3.1.2 of the Genome Aggregation Database. Based on the available evidence, the c.518G>C (p.Arg173Pro) variant is classified as a variant of uncertain significance for DEGS1-related hypomyelinating leukodystrophy.

Literature cited by the submitters: PubMed 35569879; PubMed 35012964; PubMed 30620337.